The following is an entry in ClinVar:

NM_001165963.4(SCN1A):c.2848G>A (p.Gly950Arg)

Gene: SCN1A (sodium voltage-gated channel alpha subunit 1; minus strand). Cytogenetic location: 2q24.3.
Variant type: single nucleotide variant.
Coding change: c.2848G>A on transcript NM_001165963.4 (MANE Select); coding-DNA position 2848, G replaced by A.
Protein change: p.Gly950Arg; replaces glycine 950 with arginine.
Molecular consequence: missense variant. On other transcripts: non-coding transcript variant (1).
Genome position (GRCh38, 1-based): chr2:166,037,874, C>T on the plus strand (G>A on the coding strand, the complement: SCN1A is on the minus strand). VCF-style: chr2-166037874-C-T. GRCh37 (hg19) VCF-style: chr2-166894384-C-T.
Other names: c.2764G>A, p.Gly922Arg (NM_001165964.3, NM_001353957.2, NM_001353958.2); c.2848G>A, p.Gly950Arg (NM_001202435.3, NM_001353948.2); c.2815G>A, p.Gly939Arg (NM_001353949.2, NM_001353950.2, NM_001353951.2 and 2 more transcripts); c.2812G>A, p.Gly938Arg (NM_001353954.2, NM_001353955.2); c.2761G>A, p.Gly921Arg (NM_001353960.2); c.406G>A, p.Gly136Arg (NM_001353961.2); short protein forms G136R, G921R, G922R, G938R, G939R, G950R.
Identifiers: ClinVar variation 1066562 (VCV001066562.10), dbSNP rs2105806431, ClinGen allele CA349061179.
Genomic context (GRCh38, chr2:166,037,874, plus strand): 5'-TAAGGCACATGGCTTGACCAGCAACCTCCATACAGTCCCACATGGTCTCTATCCACTCCC[C>T]ACACAGCACGCGGAACACAATCAGGAAGGAGTGGAAGAAGTCATTCATGTGCCAGCGTGG-3'
Protein context (NP_001159435.1, residues 940-960): SFLIVFRVLC[Gly950Arg]EWIETMWDCM

ClinVar aggregate classification (germline): Pathogenic (1 of 4 stars; one submission).

Conditions:
Early-infantile DEE. Also called: Ohtahara syndrome; Early infantile epileptic encephalopathy with suppression bursts; Early infantile epileptic encephalopathy. Identifiers: Orphanet 1934, MedGen C0393706, MONDO:0800491.

Submission:

Labcorp Genetics (formerly Invitae), Labcorp
Classification: Pathogenic for Early-infantile DEE. Last evaluated: 2025-10-06. Review status: criteria provided, single submitter. Criteria: Invitae Variant Classification Sherloc (09022015). Collection method: clinical testing. Allele origin: germline.
Comment: This sequence change replaces glycine, which is neutral and non-polar, with arginine, which is basic and polar, at codon 950 of the SCN1A protein (p.Gly950Arg). This variant is not present in population databases (gnomAD no frequency). This missense change has been observed in individual(s) with Dravet syndrome (PMID: 21248271). In at least one individual the variant was observed to be de novo. ClinVar contains an entry for this variant (Variation ID: 1066562). Invitae Evidence Modeling of protein sequence and biophysical properties (such as structural, functional, and spatial information, amino acid conservation, physicochemical variation, residue mobility, and thermodynamic stability) indicates that this missense variant is expected to disrupt SCN1A protein function with a positive predictive value of 95%. This variant disrupts the p.Gly950 amino acid residue in SCN1A. Other variant(s) that disrupt this residue have been observed in individuals with SCN1A-related conditions (PMID: 17347258), which suggests that this may be a clinically significant amino acid residue. For these reasons, this variant has been classified as Pathogenic.

Literature cited by the submitters: PubMed 21248271; PubMed 17347258.